The following is an entry in ClinVar:

NM_022167.4(XYLT2):c.1627G>A (p.Ala543Thr)

Gene: XYLT2 (xylosyltransferase 2; plus strand). Cytogenetic location: 17q21.33.
Variant type: single nucleotide variant.
Coding change: c.1627G>A on transcript NM_022167.4 (MANE Select); coding-DNA position 1627, G replaced by A.
Protein change: p.Ala543Thr; replaces alanine 543 with threonine.
Molecular consequence: missense variant.
Genome position (GRCh38, 1-based): chr17:50,356,655, G>A. VCF-style: chr17-50356655-G-A. GRCh37 (hg19) VCF-style: chr17-48434016-G-A.
Other names: short protein forms A543T.
Identifiers: ClinVar variation 1896773 (VCV001896773.4), dbSNP rs751743242, ClinGen allele CA8646511.
Genomic context (GRCh38, chr17:50,356,655, plus strand): 5'-TATGGCAGCTACCCCCCCGGCACGCCAGCCCTCAAGGCCTACTGGGAGAACACCTACGAC[G>A]CGGCTGATGGCCCCAGTGGGCTCAGTGATGTCATGCTCACTGCTTACACAGCCTTCGCCC-3'
Protein context (NP_071450.2, residues 533-553): LKAYWENTYD[Ala543Thr]ADGPSGLSDV

ClinVar aggregate classification (germline): Uncertain significance. Review status: criteria provided, multiple submitters, no conflicts (2 of 4 stars). 2 submissions from 2 submitters: Uncertain significance (2). Last evaluated 2025-02-13.

Conditions:
Inborn genetic diseases. Identifiers: MedGen C0950123, MeSH D030342.

Allele frequency attached by ClinVar (database versions not stated): TOPMed 0.00002; gnomAD 0.00001; ExAC 0.00004; gnomAD exomes 0.00003.
gnomAD v4.1: 47 of 1,613,864 alleles (0.0029%); highest among the groups gnomAD compares: Middle Eastern, 0.016%; no homozygotes.

Submissions (2):

Ambry Genetics
Classification: Uncertain significance for Inborn genetic diseases. Last evaluated: 2025-02-13. Review status: criteria provided, single submitter. Criteria: Ambry Variant Classification Scheme 2023. Collection method: clinical testing. Allele origin: germline.

Labcorp Genetics (formerly Invitae), Labcorp
Classification: Uncertain significance. Last evaluated: 2022-08-09. Review status: criteria provided, single submitter. Criteria: Invitae Variant Classification Sherloc (09022015). Collection method: clinical testing. Allele origin: germline.
Comment: This sequence change replaces alanine, which is neutral and non-polar, with threonine, which is neutral and polar, at codon 543 of the XYLT2 protein (p.Ala543Thr). This variant is present in population databases (rs751743242, gnomAD 0.008%). This variant has not been reported in the literature in individuals affected with XYLT2-related conditions. Algorithms developed to predict the effect of missense changes on protein structure and function (SIFT, PolyPhen-2, Align-GVGD) all suggest that this variant is likely to be tolerated. In summary, the available evidence is currently insufficient to determine the role of this variant in disease. Therefore, it has been classified as a Variant of Uncertain Significance.